The following is an entry in ClinVar:

ClinVar aggregate classification (germline): Benign/Likely benign. Review status: criteria provided, multiple submitters, no conflicts (2 of 4 stars). 8 submissions from 8 submitters: Benign (3); Likely benign (4). 1 of the submissions does not count toward it. Last evaluated 2026-03-01.

Conditions:
LARS2-related disorder. Also called: LARS2-related condition.

Allele frequency attached by ClinVar (database versions not stated): gnomAD exomes 0.00061; ExAC 0.00082; 1000 Genomes Project 0.00200; 1000 Genomes Project 30x 0.00219; gnomAD 0.00262 and 0.00280; TOPMed 0.00264; ESP Exome Variant Server 0.00392.
gnomAD v4.1: 759 of 1,613,598 alleles (0.047%); highest among the groups gnomAD compares: African/African-American, 0.88%; 2 homozygotes.

Submissions (8):

CeGaT Center for Human Genetics Tuebingen
Classification: Likely benign. Last evaluated: 2026-03-01. Review status: criteria provided, single submitter. Criteria: CeGaT Center For Human Genetics Tuebingen Variant Classification Criteria Version 2. Collection method: clinical testing. Allele origin: germline. Affected: yes. Observed: 1 variant allele.
Comment: LARS2: BP4, BP7

Labcorp Genetics (formerly Invitae), Labcorp
Classification: Benign. Last evaluated: 2026-01-12. Review status: criteria provided, single submitter. Criteria: Invitae Variant Classification Sherloc (09022015). Collection method: clinical testing. Allele origin: germline.

Mayo Clinic Laboratories, Mayo Clinic
Classification: Likely benign. Last evaluated: 2025-02-19. Review status: criteria provided, single submitter. Criteria: ACMG Guidelines, 2015. Collection method: clinical testing. Allele origin: germline. Observed: 3 variant alleles.
Comment: BS1, BP4, BP7

Blueprint Genetics
Classification: Likely benign. Last evaluated: 2024-11-20. Review status: criteria provided, single submitter. Criteria: ACMG Guidelines, 2015. Collection method: clinical testing. Allele origin: germline.

GeneDx
Classification: Likely benign. Last evaluated: 2021-06-29. Review status: criteria provided, single submitter. Criteria: GeneDx Variant Classification Process June 2021. Collection method: clinical testing. Allele origin: germline. Affected: yes.

Eurofins Ntd Llc (ga)
Classification: Benign. Last evaluated: 2018-02-01. Review status: criteria provided, single submitter. Criteria: EGL Classification Definitions 2015. Collection method: clinical testing. Allele origin: germline. Observed: 1 variant allele, 1 heterozygote.

Laboratory for Molecular Medicine, Mass General Brigham Personalized Medicine
Classification: Benign. Last evaluated: 2014-11-24. Review status: criteria provided, single submitter. Criteria: LMM Criteria. Collection method: clinical testing. Allele origin: germline. Observed: 4 variant alleles.
Comment: Ser769Ser in exon 20 of LARS2: This variant is not expected to have clinical sig nificance because it does not alter an amino acid residue and is not located wit hin the splice consensus sequence. It has been identified in 1.2% (51/4406) of A frican American chromosomes from a broad population by the NHLBI Exome Sequencin g Project (dbSNP rs143838895).

PreventionGenetics, part of Exact Sciences
Classification: Benign for LARS2-related condition. Last evaluated: 2020-12-14. Review status: no assertion criteria provided. Collection method: clinical testing. Allele origin: germline. Not counted in ClinVar's aggregate classification.
Comment: This variant is classified as benign based on ACMG/AMP sequence variant interpretation guidelines (Richards et al. 2015 PMID: 25741868, with internal and published modifications).

NM_015340.4(LARS2):c.2307C>T (p.Ser769=)

Gene: LARS2 (leucyl-tRNA synthetase 2, mitochondrial; plus strand). Cytogenetic location: 3p21.31.
Variant type: single nucleotide variant.
Coding change: c.2307C>T on transcript NM_015340.4 (MANE Select); coding-DNA position 2307, C replaced by T.
Protein change: p.Ser769=; no amino-acid change (serine 769 retained).
Molecular consequence: synonymous variant.
Genome position (GRCh38, 1-based): chr3:45,524,011, C>T. VCF-style: chr3-45524011-C-T. GRCh37 (hg19) VCF-style: chr3-45565503-C-T.
Other names: p.Ser769=; c.2307C>T, p.Ser769= (NM_001368263.1).
Identifiers: ClinVar variation 226703 (VCV000226703.27), dbSNP rs143838895, ClinGen allele CA2349859.